The following is an entry in ClinVar:

NM_019066.5(MAGEL2):c.3127C>A (p.Arg1043Ser)

Gene: MAGEL2 (MAGE family member L2; minus strand). Cytogenetic location: 15q11.2.
Variant type: single nucleotide variant.
Coding change: c.3127C>A on transcript NM_019066.5 (MANE Select); coding-DNA position 3127, C replaced by A.
Protein change: p.Arg1043Ser; replaces arginine 1043 with serine.
Molecular consequence: missense variant.
Genome position (GRCh38, 1-based): chr15:23,644,616, G>T on the plus strand (C>A on the coding strand, the complement: MAGEL2 is on the minus strand). VCF-style: chr15-23644616-G-T. GRCh37 (hg19) VCF-style: chr15-23889763-G-T.
Other names: short protein forms R1043S.
Identifiers: ClinVar variation 4687091 (VCV004687091.1).

ClinVar aggregate classification (germline): Uncertain significance (1 of 4 stars; one submission).

Submission:

GeneDx
Classification: Uncertain significance. Last evaluated: 2025-07-26. Review status: criteria provided, single submitter. Criteria: GeneDx Variant Classification Process June 2021. Collection method: clinical testing. Allele origin: germline. Affected: yes.
Comment: Not observed at significant frequency in large population cohorts (gnomAD); Has not been previously published as pathogenic or benign to our knowledge; In silico analysis does not support a benign or deleterious effect of this variant on protein structure/function